The following is an entry in ClinVar:

NM_003823.4(TNFRSF6B):c.691C>T (p.Arg231Trp)

Genes: RTEL1-TNFRSF6B (RTEL1-TNFRSF6B readthrough (NMD candidate); plus strand), TNFRSF6B (TNF receptor superfamily member 6b; plus strand). Cytogenetic location: 20q13.33.
Variant type: single nucleotide variant.
Coding change: c.691C>T on transcript NM_003823.4 (MANE Select); coding-DNA position 691, C replaced by T.
Protein change: p.Arg231Trp; replaces arginine 231 with tryptophan.
Molecular consequence: missense variant. On other transcripts: non-coding transcript variant (1).
Genome position (GRCh38, 1-based): chr20:63,698,351, C>T. VCF-style: chr20-63698351-C-T. GRCh37 (hg19) VCF-style: chr20-62329704-C-T.
Other names: short protein forms R231W.
Identifiers: ClinVar variation 1467512 (VCV001467512.8), dbSNP rs143300172, ClinGen allele CA9966561.

ClinVar aggregate classification (germline): Uncertain significance (1 of 4 stars; one submission).

Allele frequency attached by ClinVar (database versions not stated): ExAC 0.00002; gnomAD exomes 0.00003 and 0.00004; gnomAD 0.00006; ESP Exome Variant Server 0.00008; TOPMed 0.00009.
gnomAD v4.1: 62 of 1,610,876 alleles (0.0038%); highest among the groups gnomAD compares: Middle Eastern, 0.049%; no homozygotes.

Submission:

Labcorp Genetics (formerly Invitae), Labcorp
Classification: Uncertain significance. Last evaluated: 2025-12-23. Review status: criteria provided, single submitter. Criteria: Invitae Variant Classification Sherloc (09022015). Collection method: clinical testing. Allele origin: germline.
Comment: This sequence change replaces arginine, which is basic and polar, with tryptophan, which is neutral and slightly polar, at codon 231 of the TNFRSF6B protein (p.Arg231Trp). The frequency data for this variant in the population databases is considered unreliable, as metrics indicate poor data quality at this position in the gnomAD database. This variant has not been reported in the literature in individuals affected with TNFRSF6B-related conditions. ClinVar contains an entry for this variant (Variation ID: 1467512). An algorithm developed to predict the effect of missense changes on protein structure and function outputs the following: PolyPhen-2: "Probably Damaging". The tryptophan amino acid residue is found in multiple mammalian species, which suggests that this missense change does not adversely affect protein function. In summary, the available evidence is currently insufficient to determine the role of this variant in disease. Therefore, it has been classified as a Variant of Uncertain Significance.